The following is an entry in ClinVar:

ClinVar aggregate classification (germline): Pathogenic/Likely pathogenic. Review status: criteria provided, multiple submitters, no conflicts (2 of 4 stars). 4 submissions from 4 submitters: Pathogenic (1); Likely pathogenic (3). Last evaluated 2024-10-06.

Conditions:
NF1-related disorder. Also called: NF1-related condition. Identifiers: MedGen CN379171.
Neurofibromatosis, type 1 (NF1). Also called: Neurofibromatosis, type I; Peripheral type neurofibromatosis; VON RECKLINGHAUSEN DISEASE; NEUROFIBROMATOSIS, TYPE I, SOMATIC. Identifiers: Orphanet 636, MedGen C0027831, MONDO:0018975, OMIM 162200. Disease mechanism: loss of function.

Submissions (4):

Labcorp Genetics (formerly Invitae), Labcorp
Classification: Pathogenic for Neurofibromatosis, type 1. Last evaluated: 2024-10-06. Review status: criteria provided, single submitter. Criteria: Invitae Variant Classification Sherloc (09022015). Collection method: clinical testing. Allele origin: germline.
Comment: This sequence change replaces leucine, which is neutral and non-polar, with proline, which is neutral and non-polar, at codon 1080 of the NF1 protein (p.Leu1080Pro). This variant is not present in population databases (gnomAD no frequency). This missense change has been observed in individual(s) with clinical features of neurofibromatosis type 1 (PMID: 18041031; internal data). ClinVar contains an entry for this variant (Variation ID: 431978). Invitae Evidence Modeling of protein sequence and biophysical properties (such as structural, functional, and spatial information, amino acid conservation, physicochemical variation, residue mobility, and thermodynamic stability) indicates that this missense variant is expected to disrupt NF1 protein function with a positive predictive value of 95%. For these reasons, this variant has been classified as Pathogenic.

Genome-Nilou Lab
Classification: Likely pathogenic for Neurofibromatosis, type 1. Last evaluated: 2022-03-15. Review status: criteria provided, single submitter. Criteria: ACMG Guidelines, 2015. Collection method: clinical testing. Allele origin: germline. Affected: no.

Blueprint Genetics
Classification: Likely pathogenic for NF1-related disorders. Last evaluated: 2019-02-18. Review status: criteria provided, single submitter. Criteria: ACMG Guidelines, 2015. Collection method: clinical testing. Allele origin: germline. Affected: yes. Observed: 1 variant allele.

GeneDx
Classification: Likely pathogenic. Last evaluated: 2017-06-06. Review status: criteria provided, single submitter. Criteria: GeneDx Variant Classification (06012015). Collection method: clinical testing. Allele origin: germline. Affected: yes.
Comment: The L1080P variant has been published previously in association with neurofibromatosis type 1 (Brinckmann et al., 2007). The variant is not observed in large population cohorts (Lek et al., 2016; 1000 Genomes Consortium et al., 2015; Exome Variant Server). L1080P is a semi-conservative amino acid substitution, which may impact secondary protein structure as these residues differ in some properties. This substitution occurs at a position within the critical GTPase activating domain that is conserved across species, and in silico analysis predicts this variant is probably damaging to the protein structure/function. In summary, this variant is likely pathogenic; however, the possibility that it is benign cannot be excluded.

Literature cited by the submitters: PubMed 18041031 (cited by Labcorp Genetics (formerly Invitae), Labcorp).

NM_001042492.3(NF1):c.3239T>C (p.Leu1080Pro)

Gene: NF1 (neurofibromin 1; plus strand). Cytogenetic location: 17q11.2.
Variant type: single nucleotide variant.
Coding change: c.3239T>C on transcript NM_001042492.3 (MANE Select); coding-DNA position 3239, T replaced by C.
Protein change: p.Leu1080Pro; replaces leucine 1080 with proline.
Molecular consequence: missense variant.
Genome position (GRCh38, 1-based): chr17:31,232,114, T>C. VCF-style: chr17-31232114-T-C. GRCh37 (hg19) VCF-style: chr17-29559132-T-C.
Other names: c.3239T>C, p.Leu1080Pro (NM_000267.4); short protein forms L1080P.
Identifiers: ClinVar variation 431978 (VCV000431978.9), dbSNP rs1555614833, ClinGen allele CA398988757.